The following is an entry in ClinVar:

ClinVar aggregate classification (germline): Uncertain significance. Review status: criteria provided, multiple submitters, no conflicts (2 of 4 stars). 4 submissions from 4 submitters: Uncertain significance (4). Last evaluated 2025-08-03.

Conditions:
Cardiovascular phenotype. Identifiers: MedGen CN230736.
RASopathy. Also called: rasopathies; Noonan spectrum disorder. Identifiers: Orphanet 536391, MedGen C5555857, MONDO:0021060.

gnomAD v4.1: 6 of 1,607,262 alleles (0.00037%); highest among the groups gnomAD compares: Non-Finnish European, 0.00051%; no homozygotes.

Submissions (4):

Labcorp Genetics (formerly Invitae), Labcorp
Classification: Uncertain significance for RASopathy. Last evaluated: 2025-08-03. Review status: criteria provided, single submitter. Criteria: Invitae Variant Classification Sherloc (09022015). Collection method: clinical testing. Allele origin: germline.
Comment: This sequence change replaces glutamic acid, which is acidic and polar, with aspartic acid, which is acidic and polar, at codon 373 of the CBL protein (p.Glu373Asp). This variant is not present in population databases (gnomAD no frequency). This variant has not been reported in the literature in individuals affected with CBL-related conditions. ClinVar contains an entry for this variant (Variation ID: 1435637). Invitae Evidence Modeling of protein sequence and biophysical properties (such as structural, functional, and spatial information, amino acid conservation, physicochemical variation, residue mobility, and thermodynamic stability) indicates that this missense variant is not expected to disrupt CBL protein function with a negative predictive value of 95%. In summary, the available evidence is currently insufficient to determine the role of this variant in disease. Therefore, it has been classified as a Variant of Uncertain Significance.

Ambry Genetics
Classification: Uncertain significance for Cardiovascular phenotype. Last evaluated: 2024-10-15. Review status: criteria provided, single submitter. Criteria: Ambry Variant Classification Scheme 2023. Collection method: clinical testing. Allele origin: germline.
Comment: The c.1119G>T (p.E373D) alteration is located in exon 8 (coding exon 8) of the CBL gene. This alteration results from a G to T substitution at nucleotide position 1119, causing the glutamic acid (E) at amino acid position 373 to be replaced by an aspartic acid (D). This variant was not reported in population-based cohorts in the Genome Aggregation Database (gnomAD). This amino acid position is highly conserved in available vertebrate species. This alteration is predicted to be deleterious by in silico analysis. Based on insufficient or conflicting evidence, the clinical significance of this alteration remains unclear.

Blueprint Genetics
Classification: Uncertain significance. Last evaluated: 2023-05-23. Review status: criteria provided, single submitter. Criteria: ACMG Guidelines, 2015. Collection method: clinical testing. Allele origin: germline.

CeGaT Center for Human Genetics Tuebingen
Classification: Uncertain significance. Last evaluated: 2022-09-01. Review status: criteria provided, single submitter. Criteria: CeGaT Center For Human Genetics Tuebingen Variant Classification Criteria Version 2. Collection method: clinical testing. Allele origin: germline. Affected: yes. Observed: 1 variant allele.
Comment: CBL: PM1, PM2, PP3

NM_005188.4(CBL):c.1119G>T (p.Glu373Asp)

Gene: CBL (Cbl proto-oncogene; plus strand). Cytogenetic location: 11q23.3.
Variant type: single nucleotide variant.
Coding change: c.1119G>T on transcript NM_005188.4 (MANE Select); coding-DNA position 1119, G replaced by T.
Protein change: p.Glu373Asp; replaces glutamic acid 373 with aspartic acid.
Molecular consequence: missense variant.
Genome position (GRCh38, 1-based): chr11:119,278,189, G>T. VCF-style: chr11-119278189-G-T. GRCh37 (hg19) VCF-style: chr11-119148899-G-T.
Other names: c.1119G>T (NM_005188.2); short protein forms E373D.
Identifiers: ClinVar variation 1435637 (VCV001435637.33), dbSNP rs571152174, ClinGen allele CA382912355.